The following is an entry in ClinVar:

NM_002838.5(PTPRC):c.3430G>A (p.Val1144Ile)

Gene: PTPRC (protein tyrosine phosphatase receptor type C; plus strand). Cytogenetic location: 1q32.1.
Variant type: single nucleotide variant.
Coding change: c.3430G>A on transcript NM_002838.5 (MANE Select); coding-DNA position 3430, G replaced by A.
Protein change: p.Val1144Ile; replaces valine 1144 with isoleucine.
Molecular consequence: missense variant.
Genome position (GRCh38, 1-based): chr1:198,752,693, G>A. VCF-style: chr1-198752693-G-A. GRCh37 (hg19) VCF-style: chr1-198721822-G-A.
Other names: c.2947G>A, p.Val983Ile (NM_080921.4); short protein forms V1144I, V983I.
Identifiers: ClinVar variation 1047785 (VCV001047785.7), dbSNP rs139041596, ClinGen allele CA1315448.
Genomic context (GRCh38, chr1:198,752,693, plus strand): 5'-AACTGGAGTGTGGAGCAGCTTCCTGCAGAACCCAAGGAATTAATCTCTATGATTCAGGTC[G>A]TCAAACAAAAACTTCCCCAGAAGAATTCCTCTGAAGGGAACAAGCATCACAAGAGTACAC-3'
Protein context (NP_002829.3, residues 1134-1154): PKELISMIQV[Val1144Ile]KQKLPQKNSS

ClinVar aggregate classification (germline): Uncertain significance (1 of 4 stars; one submission).

Conditions:
Immunodeficiency 104. Also called: IMMUNODEFICIENCY 104, SEVERE COMBINED; Severe combined immunodeficiency, autosomal recessive, T cell-negative, B cell-positive, NK cell-positive; SCID, AUTOSOMAL RECESSIVE, T CELL-NEGATIVE, B CELL-POSITIVE, NK CELL-POSITIVE; Severe Combined Immune Deficiency, Autosomal Recessive, TCell -Negative, B Cell-Positive, NK Cell-Positive, IL7R-Related. Identifiers: MedGen C5676890, MONDO:0012163, OMIM 608971.

Allele frequency attached by ClinVar (database versions not stated): gnomAD exomes 0.00006 and 0.00014; ExAC 0.00016; gnomAD 0.00046 and 0.00049; ESP Exome Variant Server 0.00054; 1000 Genomes Project 0.00060; 1000 Genomes Project 30x 0.00062; TOPMed 0.00070.
gnomAD v4.1: 162 of 1,612,912 alleles (0.01%); highest among the groups gnomAD compares: African/African-American, 0.16%; no homozygotes.

Submissions (2):

Labcorp Genetics (formerly Invitae), Labcorp
Classification: Uncertain significance for Immunodeficiency 104. Last evaluated: 2022-09-07. Review status: criteria provided, single submitter. Criteria: Invitae Variant Classification Sherloc (09022015). Collection method: clinical testing. Allele origin: germline.
Comment: This sequence change replaces valine, which is neutral and non-polar, with isoleucine, which is neutral and non-polar, at codon 1144 of the PTPRC protein (p.Val1144Ile). This variant is present in population databases (rs139041596, gnomAD 0.2%). This variant has not been reported in the literature in individuals affected with PTPRC-related conditions. ClinVar contains an entry for this variant (Variation ID: 1047785). Algorithms developed to predict the effect of missense changes on protein structure and function (SIFT, PolyPhen-2, Align-GVGD) all suggest that this variant is likely to be tolerated. In summary, the available evidence is currently insufficient to determine the role of this variant in disease. Therefore, it has been classified as a Variant of Uncertain Significance.

Dr. Peter K. Rogan Lab, Western University
No classification provided (evidence only). Condition: Uterine corpus endometrial carcinoma. Review status: no classification provided. Collection method: in vitro. Allele origin: not applicable. Functional consequence: retained intron. Not counted in ClinVar's aggregate classification.